The following is an entry in ClinVar:

NM_020699.4(GATAD2B):c.1243G>A (p.Val415Ile)

Gene: GATAD2B (GATA zinc finger domain containing 2B; minus strand). Cytogenetic location: 1q21.3.
Variant type: single nucleotide variant.
Coding change: c.1243G>A on transcript NM_020699.4 (MANE Select); coding-DNA position 1243, G replaced by A.
Protein change: p.Val415Ile; replaces valine 415 with isoleucine.
Molecular consequence: missense variant.
Genome position (GRCh38, 1-based): chr1:153,813,426, C>T on the plus strand (G>A on the coding strand, the complement: GATAD2B is on the minus strand). VCF-style: chr1-153813426-C-T. GRCh37 (hg19) VCF-style: chr1-153785902-C-T.
Other names: short protein forms V415I.
Identifiers: ClinVar variation 1393126 (VCV001393126.6), dbSNP rs752198126, ClinGen allele CA1120672.

ClinVar aggregate classification (germline): Uncertain significance (1 of 4 stars; one submission).

Allele frequency attached by ClinVar (database versions not stated): gnomAD 0.00002; gnomAD exomes 0.00002 and 0.00005; TOPMed 0.00003; ExAC 0.00005.

Submission:

Labcorp Genetics (formerly Invitae), Labcorp
Classification: Uncertain significance. Last evaluated: 2025-07-31. Review status: criteria provided, single submitter. Criteria: Invitae Variant Classification Sherloc (09022015). Collection method: clinical testing. Allele origin: germline.
Comment: This sequence change replaces valine, which is neutral and non-polar, with isoleucine, which is neutral and non-polar, at codon 415 of the GATAD2B protein (p.Val415Ile). This variant is present in population databases (rs752198126, gnomAD 0.03%), and has an allele count higher than expected for a pathogenic variant. This variant has not been reported in the literature in individuals affected with GATAD2B-related conditions. ClinVar contains an entry for this variant (Variation ID: 1393126). Invitae Evidence Modeling of protein sequence and biophysical properties (such as structural, functional, and spatial information, amino acid conservation, physicochemical variation, residue mobility, and thermodynamic stability) indicates that this missense variant is not expected to disrupt GATAD2B protein function with a negative predictive value of 80%. In summary, the available evidence is currently insufficient to determine the role of this variant in disease. Therefore, it has been classified as a Variant of Uncertain Significance.